The following is an entry in ClinVar:

ClinVar aggregate classification (germline): Uncertain significance. Review status: criteria provided, multiple submitters, no conflicts (2 of 4 stars). 3 submissions from 3 submitters: Uncertain significance (3). Last evaluated 2025-08-29.

Conditions:
Familial hemiplegic migraine. Identifiers: MedGen C0338484, MONDO:0000700.

Submissions (3):

Labcorp Genetics (formerly Invitae), Labcorp
Classification: Uncertain significance for Familial hemiplegic migraine. Last evaluated: 2025-08-29. Review status: criteria provided, single submitter. Criteria: Invitae Variant Classification Sherloc (09022015). Collection method: clinical testing. Allele origin: germline.
Comment: This sequence change replaces valine, which is neutral and non-polar, with alanine, which is neutral and non-polar, at codon 759 of the ATP1A2 protein (p.Val759Ala). This variant is not present in population databases (gnomAD no frequency). This variant has not been reported in the literature in individuals affected with ATP1A2-related conditions. ClinVar contains an entry for this variant (Variation ID: 1441294). Invitae Evidence Modeling of protein sequence and biophysical properties (such as structural, functional, and spatial information, amino acid conservation, physicochemical variation, residue mobility, and thermodynamic stability) indicates that this missense variant is expected to disrupt ATP1A2 protein function with a positive predictive value of 80%. In summary, the available evidence is currently insufficient to determine the role of this variant in disease. Therefore, it has been classified as a Variant of Uncertain Significance.

CeGaT Center for Human Genetics Tuebingen
Classification: Uncertain significance. Last evaluated: 2025-04-01. Review status: criteria provided, single submitter. Criteria: CeGaT Center For Human Genetics Tuebingen Variant Classification Criteria Version 2. Collection method: clinical testing. Allele origin: germline. Affected: yes. Observed: 1 variant allele.
Comment: ATP1A2: PM2, PP2

GeneDx
Classification: Uncertain significance. Last evaluated: 2022-09-29. Review status: criteria provided, single submitter. Criteria: GeneDx Variant Classification Process June 2021. Collection method: clinical testing. Allele origin: germline. Affected: yes.
Comment: Not observed at significant frequency in large population cohorts (gnomAD); In silico analysis supports that this missense variant has a deleterious effect on protein structure/function; Has not been previously published as pathogenic or benign to our knowledge

NM_000702.4(ATP1A2):c.2276T>C (p.Val759Ala)

Gene: ATP1A2 (ATPase Na+/K+ transporting subunit alpha 2; plus strand). Cytogenetic location: 1q23.2.
Variant type: single nucleotide variant.
Coding change: c.2276T>C on transcript NM_000702.4 (MANE Select); coding-DNA position 2276, T replaced by C.
Protein change: p.Val759Ala; replaces valine 759 with alanine.
Molecular consequence: missense variant.
Genome position (GRCh38, 1-based): chr1:160,135,594, T>C. VCF-style: chr1-160135594-T-C. GRCh37 (hg19) VCF-style: chr1-160105384-T-C.
Other names: c.2276T>C (NM_000702.3); short protein forms V759A.
Identifiers: ClinVar variation 1441294 (VCV001441294.18), dbSNP rs2101995205, ClinGen allele CA343249645.
Genomic context (GRCh38, chr1:160,135,594, plus strand): 5'-CTAAGCAGGCAGCCGACATGATCCTGCTGGATGACAACTTTGCCTCCATCGTCACGGGGG[T>C]GGAGGAGGGTGAGGAGGCTGCATGGGTTGGGATGGTTTGCAGGATACTGAAGCCGGCACC-3'
Protein context (NP_000693.1, residues 749-769): DDNFASIVTG[Val759Ala]EEGRLIFDNL